The following is an entry in ClinVar:

ClinVar aggregate classification (germline): Uncertain significance (1 of 4 stars; one submission).

Conditions:
Tuberous sclerosis 2 (TSC2). Identifiers: Orphanet 805, MedGen C1860707, MONDO:0013199, OMIM 613254.

Submission:

Labcorp Genetics (formerly Invitae), Labcorp
Classification: Uncertain significance for Tuberous sclerosis 2. Last evaluated: 2021-08-22. Review status: criteria provided, single submitter. Criteria: Invitae Variant Classification Sherloc (09022015). Collection method: clinical testing. Allele origin: germline.
Comment: This sequence change replaces lysine with arginine at codon 106 of the TSC2 protein (p.Lys106Arg). The lysine residue is moderately conserved and there is a small physicochemical difference between lysine and arginine. This variant is not present in population databases (ExAC no frequency). This variant has not been reported in the literature in individuals affected with TSC2-related conditions. Advanced modeling of protein sequence and biophysical properties (such as structural, functional, and spatial information, amino acid conservation, physicochemical variation, residue mobility, and thermodynamic stability) performed at Invitae indicates that this missense variant is not expected to disrupt TSC2 protein function. In summary, the available evidence is currently insufficient to determine the role of this variant in disease. Therefore, it has been classified as a Variant of Uncertain Significance.

NM_000548.5(TSC2):c.317A>G (p.Lys106Arg)

Gene: TSC2 (TSC complex subunit 2; plus strand). Cytogenetic location: 16p13.3.
Variant type: single nucleotide variant.
Coding change: c.317A>G on transcript NM_000548.5 (MANE Select); coding-DNA position 317, A replaced by G.
Protein change: p.Lys106Arg; replaces lysine 106 with arginine.
Molecular consequence: missense variant. On other transcripts: intron variant (2).
Genome position (GRCh38, 1-based): chr16:2,053,433, A>G. VCF-style: chr16-2053433-A-G. GRCh37 (hg19) VCF-style: chr16-2103434-A-G.
Other names: c.317A>G, p.Lys106Arg (NM_001077183.3, NM_001114382.3, NM_001363528.2 and 3 more transcripts); c.170A>G, p.Lys57Arg (NM_001318829.2); c.350A>G, p.Lys117Arg (NM_001318832.2); c.226-863A>G (NM_001318827.2); c.-1-2763A>G (NM_001318831.2); short protein forms K106R, K117R, K57R.
Identifiers: ClinVar variation 1490413 (VCV001490413.6), dbSNP rs1567395686, ClinGen allele CA394305953.